The following is an entry in ClinVar:

ClinVar aggregate classification (germline): Uncertain significance (1 of 4 stars; one submission).

Conditions:
Cardiovascular phenotype. Identifiers: MedGen CN230736.

Submission:

Ambry Genetics
Classification: Uncertain significance for Cardiovascular phenotype. Last evaluated: 2026-02-15. Review status: criteria provided, single submitter. Criteria: Ambry Variant Classification Scheme 2023. Collection method: clinical testing. Allele origin: germline.
Comment: The p.T180K variant (also known as c.539C>A), located in coding exon 4 of the LMF1 gene, results from a C to A substitution at nucleotide position 539. The threonine at codon 180 is replaced by lysine, an amino acid with similar properties. This amino acid position is conserved. In addition, the in silico prediction for this alteration is inconclusive. Based on the available evidence, the clinical significance of this variant remains unclear.

NM_022773.4(LMF1):c.539C>A (p.Thr180Lys)

Gene: LMF1 (lipase maturation factor 1; minus strand). Cytogenetic location: 16p13.3.
Variant type: single nucleotide variant.
Coding change: c.539C>A on transcript NM_022773.4 (MANE Select); coding-DNA position 539, C replaced by A.
Protein change: p.Thr180Lys; replaces threonine 180 with lysine.
Molecular consequence: missense variant. On other transcripts: 5 prime UTR variant (2), non-coding transcript variant (1).
Genome position (GRCh38, 1-based): chr16:911,055, G>T on the plus strand (C>A on the coding strand, the complement: LMF1 is on the minus strand). VCF-style: chr16-911055-G-T. GRCh37 (hg19) VCF-style: chr16-961055-G-T.
Other names: c.-113C>A (NM_001352017.2, NM_001352021.2); c.140C>A, p.Thr47Lys (NM_001352018.2); c.212C>A, p.Thr71Lys (NM_001352019.2); c.539C>A, p.Thr180Lys (NM_001352020.1); short protein forms T180K, T71K, T47K.
Identifiers: ClinVar variation 4824661 (VCV004824661.1).